The following is an entry in ClinVar:

ClinVar aggregate classification (germline): Benign. Review status: criteria provided, single submitter (1 of 4 stars). 2 submissions from 2 submitters: Benign (1). 1 of the submissions does not count toward it. Last evaluated 2021-02-23.

Conditions:
TSEN2-related disorder. Also called: TSEN2-related condition.

Allele frequency attached by ClinVar (database versions not stated): gnomAD 0.00693 and 0.00741; TOPMed 0.00753; 1000 Genomes Project 0.00899; 1000 Genomes Project 30x 0.00921.

Submissions (2):

GeneDx
Classification: Benign. Last evaluated: 2021-02-23. Review status: criteria provided, single submitter. Criteria: GeneDx Variant Classification Process June 2021. Collection method: clinical testing. Allele origin: germline. Affected: yes.

PreventionGenetics, part of Exact Sciences
Classification: Likely benign for TSEN2-related condition. Last evaluated: 2021-03-18. Review status: no assertion criteria provided. Collection method: clinical testing. Allele origin: germline. Not counted in ClinVar's aggregate classification.
Comment: This variant is classified as likely benign based on ACMG/AMP sequence variant interpretation guidelines (Richards et al. 2015 PMID: 25741868, with internal and published modifications).

NM_025265.4(TSEN2):c.-18+1G>T

Gene: TSEN2 (tRNA splicing endonuclease subunit 2; plus strand). Cytogenetic location: 3p25.2.
Variant type: single nucleotide variant.
Coding change: c.-18+1G>T on transcript NM_025265.4 (MANE Select); the canonical splice donor site of the intron after 18 bases upstream of the start codon, G replaced by T.
Molecular consequence: splice donor variant. On other transcripts: intron variant (5).
Genome position (GRCh38, 1-based): chr3:12,484,881, G>T. VCF-style: chr3-12484881-G-T. GRCh37 (hg19) VCF-style: chr3-12526380-G-T.
Other names: c.-18+364G>T (NM_001321278.2, NM_001321277.2, NM_001145393.3 and 1 more transcripts); c.-18+1G>T (NM_001321279.2); c.-18+253G>T (NM_001145392.2).
Identifiers: ClinVar variation 517053 (VCV000517053.5), dbSNP rs147893483, ClinGen allele CA69612073.
Genomic context (GRCh38, chr3:12,484,881, plus strand): 5'-GCCGCAGCCTCTGGTGGAGTTCGGTCGGGTGTGGGGGTAGTCAAGGAAAGAAGCAAAGGG[G>T]TAAGACAGGGAGTTAGGAATTGGCGGGGCCCCTAACGCTGTTGGGGTGCGCAGTTTATTT-3'